The following is an entry in ClinVar:

NM_015443.4(KANSL1):c.1483T>C (p.Phe495Leu)

Gene: KANSL1 (KAT8 regulatory NSL complex subunit 1). Cytogenetic location: 17q21.31.
Variant type: single nucleotide variant.
Coding change: c.1483T>C on transcript NM_015443.4 (MANE Select); coding-DNA position 1483, T replaced by C.
Protein change: p.Phe495Leu; replaces phenylalanine 495 with leucine.
Molecular consequence: missense variant.
Genome position (GRCh38, 1-based): chr17:46,082,491, A>G on the plus strand (T>C on the coding strand, the complement: KANSL1 is on the minus strand). VCF-style: chr17-46082491-A-G. GRCh37 (hg19) VCF-style: chr17-44159857-A-G.
Other names: c.1483T>C, p.Phe495Leu (NM_001193465.2, NM_001193466.2, NM_001379198.1); short protein forms F495L.
Identifiers: ClinVar variation 380567 (VCV000380567.2), dbSNP rs757581698, ClinGen allele CA8618808.

ClinVar aggregate classification (germline): Likely benign. Review status: criteria provided, multiple submitters, no conflicts (2 of 4 stars). 2 submissions from 2 submitters: Likely benign (2). Last evaluated 2020-03-31.

Allele frequency attached by ClinVar (database versions not stated): gnomAD below 0.00001 and 0.00002; gnomAD exomes 0.00001; ExAC 0.00002.
gnomAD v4.1: 14 of 1,612,786 alleles (0.00087%); highest among the groups gnomAD compares: South Asian, 0.014%; no homozygotes.

Submissions (2):

Blueprint Genetics
Classification: Likely benign. Last evaluated: 2020-03-31. Review status: criteria provided, single submitter. Criteria: ACMG Guidelines, 2015. Collection method: clinical testing. Allele origin: germline.

GeneDx
Classification: Likely benign. Last evaluated: 2015-09-16. Review status: criteria provided, single submitter. Criteria: GeneDx Variant Classification (06012015). Collection method: clinical testing. Allele origin: germline. Affected: yes.
Comment: This variant is considered likely benign or benign based on one or more of the following criteria: it is a conservative change, it occurs at a poorly conserved position in the protein, it is predicted to be benign by multiple in silico algorithms, and/or has population frequency not consistent with disease.